The following is an entry in ClinVar:

NM_000051.4(ATM):c.7347A>C (p.Glu2449Asp)

Genes: ATM (ATM serine/threonine kinase; plus strand), C11orf65 (chromosome 11 open reading frame 65; minus strand). Cytogenetic location: 11q22.3.
Variant type: single nucleotide variant.
Coding change: c.7347A>C on transcript NM_000051.4 (MANE Select); coding-DNA position 7347, A replaced by C.
Protein change: p.Glu2449Asp; replaces glutamic acid 2449 with aspartic acid.
Molecular consequence: missense variant. On other transcripts: intron variant (2).
Genome position (GRCh38, 1-based): chr11:108,330,253, A>C. VCF-style: chr11-108330253-A-C. GRCh37 (hg19) VCF-style: chr11-108200980-A-C.
Other names: c.7347A>C, p.Glu2449Asp (NM_001351834.2); c.641-21182T>G (NM_001330368.2); c.*38+4967T>G (NM_001351110.2); short protein forms E2449D.
Identifiers: ClinVar variation 2751192 (VCV002751192.4), dbSNP rs2136454257, ClinGen allele CA382559937.
Genomic context (GRCh38, chr11:108,330,253, plus strand): 5'-ACCTTAATTATTCTATGCAAGATACACAGTAAAGGTTCAGCGAGAGCTGGAGTTGGATGA[A>C]TTAGCCCTGCGTGCACTGAAAGAGGATCGTAAACGCTTCTTATGTAAAGCAGTTGAAAAT-3'
Protein context (NP_000042.3, residues 2439-2459): VKVQRELELD[Glu2449Asp]LALRALKEDR

ClinVar aggregate classification (germline): Uncertain significance. Review status: criteria provided, multiple submitters, no conflicts (2 of 4 stars). 2 submissions from 2 submitters: Uncertain significance (2). Last evaluated 2025-02-03.

Conditions:
Ataxia-telangiectasia syndrome (AT). Also called: LOUIS-BAR SYNDROME; Cerebello-oculocutaneous telangiectasia; Immunodeficiency with ataxia telangiectasia; Ataxia telangiectasia (A-T); Ataxia-telangiectasia, complementation group D; AT, COMPLEMENTATION GROUP C. Identifiers: Orphanet 100, MedGen C0004135, MONDO:0008840, OMIM 208900.
Hereditary cancer-predisposing syndrome. Also called: Tumor predisposition; Neoplastic Syndromes, Hereditary; Hereditary Cancer Syndrome; Hereditary neoplastic syndrome. Identifiers: Orphanet 140162, MedGen C0027672, MeSH D009386, MONDO:0015356.

gnomAD v4.1: 1 of 1,614,204 alleles (0.000062%); highest among the groups gnomAD compares: East Asian, 0.0022%; no homozygotes.

Submissions (2):

Labcorp Genetics (formerly Invitae), Labcorp
Classification: Uncertain significance for Ataxia-telangiectasia syndrome. Last evaluated: 2025-02-03. Review status: criteria provided, single submitter. Criteria: Invitae Variant Classification Sherloc (09022015). Collection method: clinical testing. Allele origin: germline.
Comment: This sequence change replaces glutamic acid, which is acidic and polar, with aspartic acid, which is acidic and polar, at codon 2449 of the ATM protein (p.Glu2449Asp). This variant is not present in population databases (gnomAD no frequency). This variant has not been reported in the literature in individuals affected with ATM-related conditions. ClinVar contains an entry for this variant (Variation ID: 2751192). Invitae Evidence Modeling of protein sequence and biophysical properties (such as structural, functional, and spatial information, amino acid conservation, physicochemical variation, residue mobility, and thermodynamic stability) indicates that this missense variant is not expected to disrupt ATM protein function with a negative predictive value of 95%. In summary, the available evidence is currently insufficient to determine the role of this variant in disease. Therefore, it has been classified as a Variant of Uncertain Significance.

Ambry Genetics
Classification: Uncertain significance for Hereditary cancer-predisposing syndrome. Last evaluated: 2023-10-02. Review status: criteria provided, single submitter. Criteria: Ambry Variant Classification Scheme 2023. Collection method: clinical testing. Allele origin: germline.
Comment: The c.7347A>C (p.E2449D) alteration is located in exon 50 (coding exon 49) of the ATM gene. This alteration results from an A to C substitution at nucleotide position 7347, causing the glutamic acid (E) at amino acid position 2449 to be replaced by an aspartic acid (D). This variant was not reported in population-based cohorts in the Genome Aggregation Database (gnomAD). This amino acid position is well conserved in available vertebrate species. This alteration is predicted to be tolerated by in silico analysis. Based on insufficient or conflicting evidence, the clinical significance of this alteration remains unclear.